The following is an entry in ClinVar:

ClinVar aggregate classification (germline): Uncertain significance. Review status: criteria provided, multiple submitters, no conflicts (2 of 4 stars). 2 submissions from 2 submitters: Uncertain significance (2). Last evaluated 2024-05-06.

Conditions:
Currarino triad. Identifiers: Orphanet 1552, MedGen C1531773, MONDO:0008305, OMIM 176450.

Allele frequency attached by ClinVar (database versions not stated): gnomAD 0.00001; gnomAD exomes 0.00001 and 0.00002; ExAC 0.00002.
gnomAD v4.1: 12 of 1,609,858 alleles (0.00075%); highest among the groups gnomAD compares: Admixed American, 0.0033%; no homozygotes.

Submissions (2):

Labcorp Genetics (formerly Invitae), Labcorp
Classification: Uncertain significance. Last evaluated: 2024-05-06. Review status: criteria provided, single submitter. Criteria: Invitae Variant Classification Sherloc (09022015). Collection method: clinical testing. Allele origin: germline.
Comment: This sequence change replaces glycine, which is neutral and non-polar, with aspartic acid, which is acidic and polar, at codon 319 of the MNX1 protein (p.Gly319Asp). The frequency data for this variant in the population databases is considered unreliable, as metrics indicate poor data quality at this position in the gnomAD database. This variant has not been reported in the literature in individuals affected with MNX1-related conditions. ClinVar contains an entry for this variant (Variation ID: 1391987). Advanced modeling of protein sequence and biophysical properties (such as structural, functional, and spatial information, amino acid conservation, physicochemical variation, residue mobility, and thermodynamic stability) performed at Invitae indicates that this missense variant is not expected to disrupt MNX1 protein function with a negative predictive value of 80%. In summary, the available evidence is currently insufficient to determine the role of this variant in disease. Therefore, it has been classified as a Variant of Uncertain Significance.

Fulgent Genetics
Classification: Uncertain significance for Currarino triad. Last evaluated: 2022-04-05. Review status: criteria provided, single submitter. Criteria: ACMG Guidelines, 2015. Collection method: clinical testing. Allele origin: unknown.

NM_005515.4(MNX1):c.956G>A (p.Gly319Asp)

Gene: MNX1 (motor neuron and pancreas homeobox 1; minus strand). Cytogenetic location: 7q36.3.
Variant type: single nucleotide variant.
Coding change: c.956G>A on transcript NM_005515.4 (MANE Select); coding-DNA position 956, G replaced by A.
Protein change: p.Gly319Asp; replaces glycine 319 with aspartic acid.
Molecular consequence: missense variant.
Genome position (GRCh38, 1-based): chr7:157,005,770, C>T on the plus strand (G>A on the coding strand, the complement: MNX1 is on the minus strand). VCF-style: chr7-157005770-C-T. GRCh37 (hg19) VCF-style: chr7-156798464-C-T.
Other names: c.320G>A, p.Gly107Asp (NM_001165255.2); short protein forms G107D, G319D.
Identifiers: ClinVar variation 1391987 (VCV001391987.7), dbSNP rs758672581, ClinGen allele CA4589151.